The following is an entry in ClinVar:

ClinVar aggregate classification (germline): Uncertain significance (1 of 4 stars; one submission).

gnomAD v4.1: 1 of 1,608,474 alleles (0.000062%); highest among the groups gnomAD compares: Non-Finnish European, 0.000085%; no homozygotes.

Submission:

GeneDx
Classification: Uncertain significance. Last evaluated: 2024-05-07. Review status: criteria provided, single submitter. Criteria: GeneDx Variant Classification Process June 2021. Collection method: clinical testing. Allele origin: germline. Affected: yes.
Comment: Not observed at significant frequency in large population cohorts (gnomAD); Missense variant in a gene in which most reported pathogenic variants are truncating/loss of function; Has not been previously published as pathogenic or benign to our knowledge

NM_001267550.2(TTN):c.18067G>T (p.Val6023Phe)

Gene: TTN (titin; minus strand). Cytogenetic location: 2q31.2.
Variant type: single nucleotide variant.
Coding change: c.18067G>T on transcript NM_001267550.2 (MANE Select); coding-DNA position 18067, G replaced by T.
Protein change: p.Val6023Phe; replaces valine 6023 with phenylalanine.
Molecular consequence: missense variant. On other transcripts: intron variant (3).
Genome position (GRCh38, 1-based): chr2:178,730,333, C>A on the plus strand (G>T on the coding strand, the complement: TTN is on the minus strand). VCF-style: chr2-178730333-C-A. GRCh37 (hg19) VCF-style: chr2-179595060-C-A.
Other names: c.17116G>T, p.Val5706Phe (NM_001256850.1); c.14335G>T, p.Val4779Phe (NM_133378.4); c.13282+7749G>T (NM_003319.4); c.13858+7749G>T (NM_133437.4); c.13657+7749G>T (NM_133432.3); short protein forms V4779F, V5706F, V6023F.
Identifiers: ClinVar variation 3375854 (VCV003375854.1).
Genomic context (GRCh38, chr2:178,730,333, plus strand): 5'-TTGTCATGGGTGCAGTGCCACCCACAAGAGCCTTTAACTGTACCCTTGTGTTGGGATTGA[C>A]ATCTTGTGACTGTGGCTTTTCCACAAAGTAAGGGGGTTCTGAGGTGAAAGAAAAAACAAG-3'
Protein context (NP_001254479.2, residues 6013-6033): YFVEKPQSQD[Val6023Phe]NPNTRVQLKA